The following is an entry in ClinVar:

NM_015046.7(SETX):c.1793A>C (p.Lys598Thr)

Gene: SETX (senataxin; minus strand). Cytogenetic location: 9q34.13.
Variant type: single nucleotide variant.
Coding change: c.1793A>C on transcript NM_015046.7 (MANE Select); coding-DNA position 1793, A replaced by C.
Protein change: p.Lys598Thr; replaces lysine 598 with threonine.
Molecular consequence: missense variant.
Genome position (GRCh38, 1-based): chr9:132,329,805, T>G on the plus strand (A>C on the coding strand, the complement: SETX is on the minus strand). VCF-style: chr9-132329805-T-G. GRCh37 (hg19) VCF-style: chr9-135205192-T-G.
Other names: c.1793A>C, p.Lys598Thr (NM_001351527.2, NM_001351528.2); short protein forms K598T.
Identifiers: ClinVar variation 4792454 (VCV004792454.1).

ClinVar aggregate classification (germline): Uncertain significance (1 of 4 stars; one submission).

Conditions:
Spinocerebellar ataxia, autosomal recessive, with axonal neuropathy 2 (SCAN2). Also called: ATAXIA-OCULOMOTOR APRAXIA 2; Ataxia-ocular apraxia-2; Ataxia with Oculomotor Apraxia; Ataxia with Oculomotor Apraxia Type 2. Identifiers: Orphanet 64753, MedGen C1853761, MONDO:0018996, OMIM 606002.
Amyotrophic lateral sclerosis type 4 (ALS4). Also called: AMYOTROPHIC LATERAL SCLEROSIS 4, JUVENILE; NEURONOPATHY, DISTAL HEREDITARY MOTOR, WITH PYRAMIDAL FEATURES. Identifiers: Orphanet 357043, MedGen C1865409, MONDO:0011223, OMIM 602433.

Submission:

Labcorp Genetics (formerly Invitae), Labcorp
Classification: Uncertain significance for Amyotrophic lateral sclerosis type 4; Spinocerebellar ataxia, autosomal recessive, with axonal neuropathy 2. Last evaluated: 2025-07-13. Review status: criteria provided, single submitter. Criteria: Invitae Variant Classification Sherloc (09022015). Collection method: clinical testing. Allele origin: germline.
Comment: This sequence change replaces lysine, which is basic and polar, with threonine, which is neutral and polar, at codon 598 of the SETX protein (p.Lys598Thr). This variant is not present in population databases (gnomAD no frequency). This variant has not been reported in the literature in individuals affected with SETX-related conditions. Invitae Evidence Modeling of protein sequence and biophysical properties (such as structural, functional, and spatial information, amino acid conservation, physicochemical variation, residue mobility, and thermodynamic stability) indicates that this missense variant is not expected to disrupt SETX protein function with a negative predictive value of 95%. In summary, the available evidence is currently insufficient to determine the role of this variant in disease. Therefore, it has been classified as a Variant of Uncertain Significance.